The following is an entry in ClinVar:

NM_022051.3(EGLN1):c.199C>T (p.His67Tyr)

Gene: EGLN1 (egl-9 family hypoxia inducible factor 1; minus strand). Cytogenetic location: 1q42.2.
Variant type: single nucleotide variant.
Coding change: c.199C>T on transcript NM_022051.3 (MANE Select); coding-DNA position 199, C replaced by T.
Protein change: p.His67Tyr; replaces histidine 67 with tyrosine.
Molecular consequence: missense variant.
Genome position (GRCh38, 1-based): chr1:231,421,690, G>A on the plus strand (C>T on the coding strand, the complement: EGLN1 is on the minus strand). VCF-style: chr1-231421690-G-A. GRCh37 (hg19) VCF-style: chr1-231557436-G-A.
Other names: c.199C>T, p.His67Tyr (NM_001377260.1, NM_001377261.1); short protein forms H67Y.
Identifiers: ClinVar variation 1784130 (VCV001784130.8), dbSNP rs1656622908, ClinGen allele CA345238648.

ClinVar aggregate classification (germline): Uncertain significance. Review status: criteria provided, multiple submitters, no conflicts (2 of 4 stars). 2 submissions from 2 submitters: Uncertain significance (2). Last evaluated 2025-01-14.

Conditions:
Erythrocytosis, familial, 3 (ECYT3). Identifiers: Orphanet 247511, MedGen C1853286, MONDO:0012353, OMIM 609820.

Allele frequency attached by ClinVar (database versions not stated): TOPMed below 0.00001; gnomAD 0.00001.
gnomAD v4.1: 3 of 1,510,082 alleles (0.0002%); highest among the groups gnomAD compares: African/African-American, 0.0014%; no homozygotes.

Submissions (2):

Ambry Genetics
Classification: Uncertain significance. Last evaluated: 2025-01-14. Review status: criteria provided, single submitter. Criteria: Ambry Variant Classification Scheme 2023. Collection method: clinical testing. Allele origin: germline.
Comment: The p.H67Y variant (also known as c.199C>T), located in coding exon 1 of the EGLN1 gene, results from a C to T substitution at nucleotide position 199. The histidine at codon 67 is replaced by tyrosine, an amino acid with similar properties. This amino acid position is conserved. In addition, this alteration is predicted to be tolerated by in silico analysis. Since supporting evidence is limited at this time, the clinical significance of this alteration remains unclear.

Labcorp Genetics (formerly Invitae), Labcorp
Classification: Uncertain significance for Erythrocytosis, familial, 3. Last evaluated: 2022-09-21. Review status: criteria provided, single submitter. Criteria: Invitae Variant Classification Sherloc (09022015). Collection method: clinical testing. Allele origin: germline.
Comment: In summary, the available evidence is currently insufficient to determine the role of this variant in disease. Therefore, it has been classified as a Variant of Uncertain Significance. Algorithms developed to predict the effect of missense changes on protein structure and function (SIFT, PolyPhen-2, Align-GVGD) all suggest that this variant is likely to be tolerated. This variant has not been reported in the literature in individuals affected with EGLN1-related conditions. This variant is not present in population databases (gnomAD no frequency). This sequence change replaces histidine, which is basic and polar, with tyrosine, which is neutral and polar, at codon 67 of the EGLN1 protein (p.His67Tyr).